The following is an entry in ClinVar:

ClinVar aggregate classification (germline): Pathogenic (1 of 4 stars; one submission).

Conditions:
Inborn genetic diseases. Identifiers: MedGen C0950123, MeSH D030342.

Submission:

Ambry Genetics
Classification: Pathogenic for Inborn genetic diseases. Last evaluated: 2017-10-04. Review status: criteria provided, single submitter. Criteria: Ambry Variant Classification Scheme 2023. Collection method: clinical testing. Allele origin: germline.
Comment: The c.903delA pathogenic mutation, located in coding exon 13 of the DEPDC5 gene, results from a deletion of one nucleotide at nucleotide position 903, causing a translational frameshift with a predicted alternate stop codon (p.A302Hfs*34). This alteration is expected to result in loss of function by premature protein truncation or nonsense-mediated mRNA decay. As such, this alteration is interpreted as a disease-causing mutation.

NM_001242896.3(DEPDC5):c.903del (p.Ala302fs)

Gene: DEPDC5 (DEP domain containing 5, GATOR1 subcomplex subunit; plus strand). Cytogenetic location: 22q12.2.
Variant type: Deletion.
Coding change: c.903del on transcript NM_001242896.3 (MANE Select); coding-DNA position 903, one base deleted (A; older notation c.903delA).
Protein change: p.Ala302fs; shifts the reading frame from alanine 302.
Molecular consequence: frameshift variant. On other transcripts: non-coding transcript variant (5).
Genome position (GRCh38, 1-based): chr22:31,798,613, A deleted. VCF-style (leftmost placement, unchanged base first): chr22-31798612-CA-C. GRCh37 (hg19) VCF-style: chr22-32194598-CA-C.
Other names: c.903del, p.Ala302fs (NM_001007188.4, NM_001136029.4, NM_001242897.2 and 7 more transcripts); c.819del, p.Ala274fs (NM_001369901.1, NM_001369902.1); short protein forms A302fs, A274fs.
Identifiers: ClinVar variation 1765564 (VCV001765564.2), dbSNP rs2518768389, ClinGen allele CA2580099619.